The following is an entry in ClinVar:

NM_004183.4(BEST1):c.823G>A (p.Val275Ile)

Gene: BEST1 (bestrophin 1; plus strand). Cytogenetic location: 11q12.3.
Variant type: single nucleotide variant.
Coding change: c.823G>A on transcript NM_004183.4 (MANE Select); coding-DNA position 823, G replaced by A.
Protein change: p.Val275Ile; replaces valine 275 with isoleucine.
Molecular consequence: missense variant. On other transcripts: non-coding transcript variant (1).
Genome position (GRCh38, 1-based): chr11:61,958,254, G>A. VCF-style: chr11-61958254-G-A. GRCh37 (hg19) VCF-style: chr11-61725726-G-A.
Other names: c.823G>A, p.Val275Ile (NM_001363592.2); c.-353G>A (NM_001363593.3); c.643G>A, p.Val215Ile (NM_001300786.2, NM_001300787.2, NM_001139443.3); c.505G>A, p.Val169Ile (NM_001363591.3); short protein forms V275I, V215I, V169I.
Identifiers: ClinVar variation 99754 (VCV000099754.7), dbSNP rs281865276, ClinGen allele CA227820.

ClinVar aggregate classification (germline): Uncertain significance. Review status: criteria provided, multiple submitters, no conflicts (2 of 4 stars). 4 submissions from 4 submitters: Uncertain significance (3). 1 of the submissions does not count toward it. Last evaluated 2026-03-12.

Conditions:
BEST1-related disorder. Also called: BEST1-related condition; BEST1-related disorders. Identifiers: MedGen CN239200.

Allele frequency attached by ClinVar (database versions not stated): TOPMed below 0.00001; gnomAD 0.00001 and 0.00003; gnomAD exomes 0.00003 and 0.00005; ExAC 0.00009.

Submissions (4):

PreventionGenetics, part of Exact Sciences
Classification: Uncertain significance for BEST1-related condition. Last evaluated: 2026-03-12. Review status: criteria provided, single submitter. Criteria: ACMG Guidelines, 2015. Collection method: clinical testing. Allele origin: germline.
Comment: The BEST1 c.823G>A variant is predicted to result in the amino acid substitution p.Val275Ile. This variant was reported in an individual with age-related macular degeneration (Lotery et al. 2000. PubMed ID: 10798642). This variant is reported in 0.039% of alleles in individuals of South Asian descent in gnomAD. At this time, the clinical significance of this variant is uncertain due to the absence of conclusive functional and genetic evidence.

Labcorp Genetics (formerly Invitae), Labcorp
Classification: Uncertain significance. Last evaluated: 2026-01-27. Review status: criteria provided, single submitter. Criteria: Invitae Variant Classification Sherloc (09022015). Collection method: clinical testing. Allele origin: germline.
Comment: This sequence change replaces valine, which is neutral and non-polar, with isoleucine, which is neutral and non-polar, at codon 275 of the BEST1 protein (p.Val275Ile). This variant is present in population databases (rs281865276, gnomAD 0.04%). This missense change has been observed in individual(s) with BEST1-related conditions (PMID: 10798642). ClinVar contains an entry for this variant (Variation ID: 99754). An algorithm developed to predict the effect of missense changes on protein structure and function outputs the following: PolyPhen-2: "Benign". The isoleucine amino acid residue is found in multiple mammalian species, which suggests that this missense change does not adversely affect protein function. In summary, the available evidence is currently insufficient to determine the role of this variant in disease. Therefore, it has been classified as a Variant of Uncertain Significance.

Blueprint Genetics
Classification: Uncertain significance. Last evaluated: 2022-11-16. Review status: criteria provided, single submitter. Criteria: ACMG Guidelines, 2015. Collection method: clinical testing. Allele origin: germline.

Retina International
No classification provided. Review status: no classification provided. Collection method: not provided. Allele origin: not provided. Not counted in ClinVar's aggregate classification.

Literature cited by the submitters: PubMed 10798642 (cited by Labcorp Genetics (formerly Invitae), Labcorp).